The following is an entry in ClinVar:

NM_000719.7(CACNA1C):c.1217+5G>A

Gene: CACNA1C (calcium voltage-gated channel subunit alpha1 C; plus strand). Cytogenetic location: 12p13.33.
Variant type: single nucleotide variant.
Coding change: c.1217+5G>A on transcript NM_000719.7 (MANE Select); 5 bases into the intron after coding-DNA position 1217, G replaced by A.
Molecular consequence: intron variant.
Genome position (GRCh38, 1-based): chr12:2,504,950, G>A. VCF-style: chr12-2504950-G-A. GRCh37 (hg19) VCF-style: chr12-2614116-G-A.
Other names: c.1217+411G>A (NM_001167624.3, NM_001167623.2, NM_001167625.2 and 1 more transcripts); c.1217+5G>A (NM_199460.4, NM_001129827.2, NM_001129832.2 and 14 more transcripts); c.1208+5G>A (NM_001129844.2).
Identifiers: ClinVar variation 931926 (VCV000931926.3), dbSNP rs2099768300, ClinGen allele CA1139662465.

ClinVar aggregate classification (germline): Uncertain significance (1 of 4 stars; one submission).

Conditions:
Timothy syndrome (TS). Also called: LONG QT SYNDROME WITH SYNDACTYLY. Identifiers: Orphanet 65283, MedGen C1832916, MeSH C536962, MONDO:0010979, OMIM 601005.

Submission:

Centre for Mendelian Genomics, University Medical Centre Ljubljana
Classification: Uncertain significance for Timothy syndrome. Last evaluated: 2019-01-28. Review status: criteria provided, single submitter. Criteria: ACMG Guidelines, 2015. Collection method: clinical testing. Allele origin: unknown. Affected: yes.
Comment: This variant was classified as: Uncertain significance. The available evidence on this variant's pathogenicity is insufficient or conflicting. The following ACMG criteria were applied in classifying this variant: PM2,PP3.